The following is an entry in ClinVar:

ClinVar aggregate classification (germline): Pathogenic/Likely pathogenic. Review status: criteria provided, multiple submitters, no conflicts (2 of 4 stars). 4 submissions from 4 submitters: Pathogenic (1); Likely pathogenic (3). Last evaluated 2023-05-29.

Conditions:
KCND2-related disorders.
Inborn genetic diseases. Identifiers: MedGen C0950123, MeSH D030342.
Early Myoclonic Encephalopathy. Identifiers: MedGen C0270855.

Allele frequency attached by ClinVar (database versions not stated): ExAC 0.00001.

Submissions (4):

Ambry Genetics
Classification: Likely pathogenic for Inborn genetic diseases. Last evaluated: 2023-05-29. Review status: criteria provided, single submitter. Criteria: Ambry Variant Classification Scheme 2023. Collection method: clinical testing. Allele origin: germline.
Comment: The c.1208C>T (p.P403L) alteration is located in exon 2 (coding exon 2) of the KCND2 gene. This alteration results from a C to T substitution at nucleotide position 1208, causing the proline (P) at amino acid position 403 to be replaced by a leucine (L). Another alteration at the same codon, c.1207C>G (p.P403A), has been reported de novo in an individual with features consistent with KCND2-related neurodevelopmental disorder (Zhang, 2021). This amino acid position is highly conserved in available vertebrate species. This missense alteration is located in a region that has a low rate of benign missense variation (Lek, 2016; Firth, 2009). Based on internal structural analysis, P403L is deleterious as this variant disrupts a motif which is functionally important (Dinoi, 2022; Zhang, 2021; Barghaan, 2009). This alteration is predicted to be deleterious by in silico analysis. Based on the available evidence, this alteration is classified as likely pathogenic.

GeneDx
Classification: Likely pathogenic. Last evaluated: 2022-06-21. Review status: criteria provided, single submitter. Criteria: GeneDx Variant Classification Process June 2021. Collection method: clinical testing. Allele origin: germline. Affected: yes.
Comment: Not observed at significant frequency in large population cohorts (gnomAD); In silico analysis supports that this missense variant has a deleterious effect on protein structure/function; Has not been previously published as pathogenic or benign to our knowledge

Labcorp Genetics (formerly Invitae), Labcorp
Classification: Pathogenic for Early Myoclonic Encephalopathy. Last evaluated: 2021-11-11. Review status: criteria provided, single submitter. Criteria: Invitae Variant Classification Sherloc (09022015). Collection method: clinical testing. Allele origin: germline.
Comment: This variant is not present in population databases (gnomAD no frequency). This sequence change replaces proline, which is neutral and non-polar, with leucine, which is neutral and non-polar, at codon 403 of the KCND2 protein (p.Pro403Leu). This missense change has been observed in individual(s) with clinical features of KCND2-related conditions (Invitae). In at least one individual the variant was observed to be de novo. ClinVar contains an entry for this variant (Variation ID: 1009567). Advanced modeling of protein sequence and biophysical properties (such as structural, functional, and spatial information, amino acid conservation, physicochemical variation, residue mobility, and thermodynamic stability) performed at Invitae indicates that this missense variant is expected to disrupt KCND2 protein function. For these reasons, this variant has been classified as Pathogenic.

Blueprint Genetics
Classification: Likely pathogenic for KCND2-related disorders. Last evaluated: 2021-10-15. Review status: criteria provided, single submitter. Criteria: ACMG Guidelines, 2015. Collection method: clinical testing. Allele origin: germline. Affected: yes. Observed: 1 variant allele.

Literature cited by the submitters: PubMed 19171772 (cited by Ambry Genetics); PubMed 34245260 (cited by Ambry Genetics); PubMed 35897654 (cited by Ambry Genetics).

NM_012281.3(KCND2):c.1208C>T (p.Pro403Leu)

Gene: KCND2 (potassium voltage-gated channel subfamily D member 2; plus strand). Cytogenetic location: 7q31.31.
Variant type: single nucleotide variant.
Coding change: c.1208C>T on transcript NM_012281.3 (MANE Select); coding-DNA position 1208, C replaced by T.
Protein change: p.Pro403Leu; replaces proline 403 with leucine.
Molecular consequence: missense variant.
Genome position (GRCh38, 1-based): chr7:120,732,995, C>T. VCF-style: chr7-120732995-C-T. GRCh37 (hg19) VCF-style: chr7-120373049-C-T.
Other names: short protein forms P403L.
Identifiers: ClinVar variation 1009567 (VCV001009567.13), dbSNP rs750457269, ClinGen allele CA4453600.